The following is an entry in ClinVar:

NM_017999.5(RNF31):c.246C>T (p.Tyr82=)

Gene: RNF31 (ring finger protein 31; plus strand). Cytogenetic location: 14q12.
Variant type: single nucleotide variant.
Coding change: c.246C>T on transcript NM_017999.5 (MANE Select); coding-DNA position 246, C replaced by T.
Protein change: p.Tyr82=; no amino-acid change (tyrosine 82 retained).
Molecular consequence: synonymous variant. On other transcripts: 5 prime UTR variant (1).
Genome position (GRCh38, 1-based): chr14:24,148,029, C>T. VCF-style: chr14-24148029-C-T. GRCh37 (hg19) VCF-style: chr14-24617238-C-T.
Other names: p.Tyr82=; c.-272C>T (NM_001310332.2).
Identifiers: ClinVar variation 1165355 (VCV001165355.13), dbSNP rs2273913, ClinGen allele CA7125399.

ClinVar aggregate classification (germline): Benign/Likely benign. Review status: criteria provided, multiple submitters, no conflicts (2 of 4 stars). 5 submissions from 5 submitters: Benign (4); Likely benign (1). Last evaluated 2026-02-04.

Allele frequency attached by ClinVar (database versions not stated): gnomAD exomes 0.21935 and 0.24576; ESP Exome Variant Server 0.22452; ExAC 0.24832; gnomAD 0.25464 and 0.25967; TOPMed 0.26026; 1000 Genomes Project 30x 0.34072; 1000 Genomes Project 0.34345.
gnomAD v4.1: 360,655 of 1,614,022 alleles (22%); highest among the groups gnomAD compares: East Asian, 53%; 44,446 homozygotes.

Submissions (5):

Labcorp Genetics (formerly Invitae), Labcorp
Classification: Benign. Last evaluated: 2026-02-04. Review status: criteria provided, single submitter. Criteria: Invitae Variant Classification Sherloc (09022015). Collection method: clinical testing. Allele origin: germline.

Blueprint Genetics
Classification: Likely benign. Last evaluated: 2024-11-27. Review status: criteria provided, single submitter. Criteria: ACMG Guidelines, 2015. Collection method: clinical testing. Allele origin: germline.

Unidad de Genómica Garrahan, Hospital de Pediatría Garrahan
Classification: Benign. Last evaluated: 2023-11-12. Review status: criteria provided, single submitter. Criteria: ACMG Guidelines, 2015. Collection method: clinical testing. Allele origin: germline. Affected: no. Observed: 40 variant alleles.
Comment: This variant is classified as Benign based on local population frequency. This variant was detected in 42% of patients studied by a panel of primary immunodeficiencies. Number of patients: 40. Only high quality variants are reported.

Mayo Clinic Laboratories, Mayo Clinic
Classification: Benign. Last evaluated: 2022-09-06. Review status: criteria provided, single submitter. Criteria: ACMG Guidelines, 2015. Collection method: clinical testing. Allele origin: germline. Observed: 170 variant alleles.

Breakthrough Genomics
Classification: Benign. Review status: criteria provided, single submitter. Criteria: ACMG Guidelines, 2015. Collection method: not provided. Allele origin: germline. Inheritance: Unknown mechanism. Affected: yes.